The following is an entry in ClinVar:

NM_001267550.2(TTN):c.63929G>A (p.Arg21310Lys)

Genes: TTN (titin; minus strand), TTN-AS1 (TTN antisense RNA 1; plus strand). Cytogenetic location: 2q31.2.
Variant type: single nucleotide variant.
Coding change: c.63929G>A on transcript NM_001267550.2 (MANE Select); coding-DNA position 63929, G replaced by A.
Protein change: p.Arg21310Lys; replaces arginine 21310 with lysine.
Molecular consequence: missense variant.
Genome position (GRCh38, 1-based): chr2:178,587,282, C>T on the plus strand (G>A on the coding strand, the complement: TTN is on the minus strand). VCF-style: chr2-178587282-C-T. GRCh37 (hg19) VCF-style: chr2-179452009-C-T.
Other names: c.59006G>A, p.Arg19669Lys (NM_001256850.1); c.36734G>A, p.Arg12245Lys (NM_003319.4); c.56225G>A, p.Arg18742Lys (NM_133378.4); c.37109G>A, p.Arg12370Lys (NM_133432.3); c.37310G>A, p.Arg12437Lys (NM_133437.4); short protein forms R12245K, R12370K, R12437K, R18742K, R19669K, R21310K.
Identifiers: ClinVar variation 3899038 (VCV003899038.1).

ClinVar aggregate classification (germline): Uncertain significance (1 of 4 stars; one submission).

Submission:

GeneDx
Classification: Uncertain significance. Last evaluated: 2024-11-06. Review status: criteria provided, single submitter. Criteria: GeneDx Variant Classification Process June 2021. Collection method: clinical testing. Allele origin: germline. Affected: yes.
Comment: Not observed at significant frequency in large population cohorts (gnomAD); Missense variant in a gene in which most reported pathogenic variants are truncating/loss of function; Has not been previously published as pathogenic or benign to our knowledge; This variant is associated with the following publications: (PMID: 23975875)